The following is an entry in ClinVar:

NM_004364.5(CEBPA):c.222CGA[1] (p.Asp75del)

Gene: CEBPA (CCAAT enhancer binding protein alpha; minus strand). Cytogenetic location: 19q13.11.
Variant type: Microsatellite.
Coding change: c.222CGA[1] on transcript NM_004364.5 (MANE Select); one copy of the 3-base unit CGA starting at c.222; the reference has two copies in a row; one copy, 3 bases deleted.
Protein change: p.Asp75del; deletes aspartic acid 75.
Molecular consequence: inframe deletion. On other transcripts: 5 prime UTR variant (1).
Genome position (GRCh38, 1-based): chr19:33,302,188-33,302,190, TCG deleted on the plus strand (CGA on the coding strand, the reverse complement: CEBPA is on the minus strand); deleting any 3 consecutive bases within chr19:33,302,188-33,302,194 gives the same sequence; the position shown is the placement nearest the transcript's 3' end. VCF-style (leftmost placement, unchanged base first): chr19-33302187-CTCG-C. GRCh37 (hg19) VCF-style: chr19-33793093-CTCG-C.
Other names: c.-136CGA[1] (NM_001285829.2); c.327CGA[1], p.Asp110del (NM_001287424.2); c.180CGA[1], p.Asp61del (NM_001287435.2); c.225_227delCGA (NM_004364.4); short protein forms D110del, D61del, D75del.
Identifiers: ClinVar variation 644115 (VCV000644115.10), dbSNP rs1600023841, ClinGen allele CA915952946.
Genomic context (GRCh38, chr19:33,302,187, plus strand): 5'-GCCCACGGCCGCCTTGGCCTTCTCCTGCTGCCGGCTGTGCTGGAACAGGTCGGCCAGGAA[CTCG>C]TCGTTGAAGGCGGCCGGGTCGATGTAGGCGCTGATGTCGATGGACGTCTCGTGCTCGCAG-3'

ClinVar aggregate classification (germline): Uncertain significance (1 of 4 stars; one submission).

Conditions:
Acute myeloid leukemia (AML). Also called: Acute myeloid leukemia, adult; AML adult; Acute non-lymphocytic leukemia; Acute granulocytic leukemia; Leukemia, acute myeloid, somatic; Leukemia, acute myelogenous, somatic. Identifiers: Orphanet 519, MedGen C0023467, MeSH D015470, MONDO:0018874, OMIM 601626, HP:0004808. Disease mechanism: Constitutively activated FLT3.

Submission:

Labcorp Genetics (formerly Invitae), Labcorp
Classification: Uncertain significance for Acute myeloid leukemia. Last evaluated: 2018-12-16. Review status: criteria provided, single submitter. Criteria: Invitae Variant Classification Sherloc (09022015). Collection method: clinical testing. Allele origin: germline.
Comment: In summary, the available evidence is currently insufficient to determine the role of this variant in disease. Therefore, it has been classified as a Variant of Uncertain Significance. Experimental studies and prediction algorithms are not available for this variant, and the functional significance of the affected amino acid(s) is currently unknown. This variant has not been reported in the literature in individuals with CEBPA-related conditions. The frequency data for this variant in the population databases is considered unreliable, as metrics indicate insufficient coverage at this position in the ExAC database. This variant, c.225_227delCGA, results in the deletion of 1 amino acid(s) of the CEBPA protein (p.Asp75del), but otherwise preserves the integrity of the reading frame.